The following is an entry in ClinVar:

ClinVar aggregate classification (germline): Pathogenic. Review status: criteria provided, multiple submitters, no conflicts (2 of 4 stars). 2 submissions from 2 submitters: Pathogenic (2). Last evaluated 2024-10-22.

Conditions:
CDKL5 disorder. Identifiers: MedGen CN296942, MONDO:0100039.
Developmental and epileptic encephalopathy, 2 (DEE2). Also called: INFANTILE SPASM SYNDROME, X-LINKED 2; CDKL5 deficiency disorder. Identifiers: Orphanet 1934, Orphanet 3451, Orphanet 505652, MedGen C4750718, MONDO:0010396, OMIM 300672.
Angelman syndrome-like. Identifiers: MedGen CN128785.

Submissions (2):

Labcorp Genetics (formerly Invitae), Labcorp
Classification: Pathogenic for Developmental and epileptic encephalopathy, 2; Angelman syndrome-like. Last evaluated: 2024-10-22. Review status: criteria provided, single submitter. Criteria: Invitae Variant Classification Sherloc (09022015). Collection method: clinical testing. Allele origin: germline.
Comment: This sequence change creates a premature translational stop signal (p.Leu67Glnfs*23) in the CDKL5 gene. It is expected to result in an absent or disrupted protein product. Loss-of-function variants in CDKL5 are known to be pathogenic (PMID: 22872100). This variant is not present in population databases (gnomAD no frequency). This premature translational stop signal has been observed in individual(s) with atypical Rett Syndrome (PMID: 27734276). In at least one individual the variant was observed to be de novo. This variant is also known as c.197_198delCT. ClinVar contains an entry for this variant (Variation ID: 533386). For these reasons, this variant has been classified as Pathogenic.

Centre for Population Genomics, CPG
Classification: Pathogenic for CDKL5 disorder. Last evaluated: 2024-07-16. Review status: criteria provided, single submitter. Criteria: McKnight et al. (Hum Mutat. 2022). Collection method: curation. Allele origin: germline. Inheritance: X-linked inheritance.
Comment: This variant has been collected from RettBASE and curated to current modified ACMG/AMP criteria. Based on the classification scheme defined by the ClinGen Rett/Angelman-like Expert Panel for Rett/AS-like Disorders Specifications to the ACMG/AMP Variant Interpretation Guidelines VCEP 3.0, this variant is classified as pathogenic. At least the following criteria are met: Predicted to result in loss of function, and LOF is a known mechanism of disease (PVS1). This variant has been identified as a de novo occurrence in an individual with CDKL5 disorder without confirmation of paternity and maternity (PM6, PMID: 27734276). This variant is absent from gnomAD (PM2_Supporting).

Literature cited by the submitters: PubMed 22872100 (cited by Labcorp Genetics (formerly Invitae), Labcorp); PubMed 27734276 (cited by Labcorp Genetics (formerly Invitae), Labcorp).

NM_001323289.2(CDKL5):c.200_201del (p.Leu67fs)

Gene: CDKL5 (cyclin dependent kinase like 5; plus strand). Cytogenetic location: Xp22.13.
Variant type: Microsatellite.
Coding change: c.200_201del on transcript NM_001323289.2 (MANE Select); coding-DNA positions 200 to 201, 2 bases deleted (TC; older notation c.200_201delTC).
Protein change: p.Leu67fs; shifts the reading frame from leucine 67.
Molecular consequence: frameshift variant.
Genome position (GRCh38, 1-based): chrX:18,575,408-18,575,409, TC deleted; deleting any 2 consecutive bases within chrX:18,575,405-18,575,409 gives the same sequence; the c. name uses the placement nearest the transcript's 3' end. VCF-style (leftmost placement, unchanged base first): chrX-18575404-ACT-A. GRCh37 (hg19) VCF-style: chrX-18593524-ACT-A.
Other names: NM_001323289.2(CDKL5):c.200_201del; p.Leu67fs; c.200_201delTC (NM_003159.2); c.200_201del, p.Leu67fs (NM_001037343.2, NM_003159.3); short protein forms L67fs.
Identifiers: ClinVar variation 533386 (VCV000533386.10), dbSNP rs1555949011, ClinGen allele CA658799601.